The following is an entry in ClinVar:

ClinVar aggregate classification (germline): Pathogenic (1 of 4 stars; one submission).

Conditions:
Kabuki syndrome. Also called: Kabuki make-up syndrome; NIIKAWA-KUROKI SYNDROME. Identifiers: Orphanet 2322, MedGen C0796004, MONDO:0016512.

Submission:

Labcorp Genetics (formerly Invitae), Labcorp
Classification: Pathogenic for Kabuki syndrome. Last evaluated: 2017-03-21. Review status: criteria provided, single submitter. Criteria: Invitae Variant Classification Sherloc (09022015). Collection method: clinical testing. Allele origin: germline.
Comment: This sequence change creates a premature translational stop signal at codon 4329 (p.Gln4329*) of the KMT2D gene. It is expected to result in an absent or disrupted protein product. While this particular variant has not been reported in the literature, loss-of-function variants in KMT2D are known to be pathogenic (PMID: 24633898, 22126750). For these reasons, this variant has been classified as Pathogenic.

NM_003482.4(KMT2D):c.12985C>T (p.Gln4329Ter)

Gene: KMT2D (lysine methyltransferase 2D; minus strand). Cytogenetic location: 12q13.12.
Variant type: single nucleotide variant.
Coding change: c.12985C>T on transcript NM_003482.4 (MANE Select); coding-DNA position 12985, C replaced by T.
Protein change: p.Gln4329Ter; replaces glutamine 4329 with a stop codon.
Molecular consequence: nonsense.
Genome position (GRCh38, 1-based): chr12:49,031,720, G>A on the plus strand (C>T on the coding strand, the complement: KMT2D is on the minus strand). VCF-style: chr12-49031720-G-A. GRCh37 (hg19) VCF-style: chr12-49425503-G-A.
Other names: short protein forms Q4329*.
Identifiers: ClinVar variation 463004 (VCV000463004.1), dbSNP rs1555187758, ClinGen allele CA384708141.